The following is an entry in ClinVar:

ClinVar aggregate classification (germline): Likely benign (0 of 4 stars; one submission).

Conditions:
CREBBP-related disorder. Also called: CREBBP-related condition; CREBBP-related disorders.

gnomAD v4.1: 5 of 1,614,076 alleles (0.00031%); highest among the groups gnomAD compares: African/African-American, 0.0053%; no homozygotes.

Submission:

PreventionGenetics, part of Exact Sciences
Classification: Likely benign for CREBBP-related condition. Last evaluated: 2022-04-19. Review status: no assertion criteria provided. Collection method: clinical testing. Allele origin: germline.
Comment: This variant is classified as likely benign based on ACMG/AMP sequence variant interpretation guidelines (Richards et al. 2015 PMID: 25741868, with internal and published modifications).

NM_004380.3(CREBBP):c.2184C>T (p.Ser728=)

Gene: CREBBP (CREB binding lysine acetyltransferase; minus strand). Cytogenetic location: 16p13.3.
Variant type: single nucleotide variant.
Coding change: c.2184C>T on transcript NM_004380.3 (MANE Select); coding-DNA position 2184, C replaced by T.
Protein change: p.Ser728=; no amino-acid change (serine 728 retained).
Molecular consequence: synonymous variant.
Genome position (GRCh38, 1-based): chr16:3,774,668, G>A on the plus strand (C>T on the coding strand, the complement: CREBBP is on the minus strand). VCF-style: chr16-3774668-G-A. GRCh37 (hg19) VCF-style: chr16-3824669-G-A.
Other names: c.2070C>T, p.Ser690= (NM_001079846.1).
Identifiers: ClinVar variation 3354349 (VCV003354349.1).
Genomic context (GRCh38, chr16:3,774,668, plus strand): 5'-GTTCATTGGGGAGGCTGCACGAGGTCCCATGGGTGCTTGTGGCAACTGGACGTTCCCCAA[G>A]GACATGGGGTTAAATGAATTCATCCCTGTAAATGTACCCACAACGGTTCATTAGGAAAAG-3'
Protein context (NP_004371.2, residues 718-738): SQGMNSFNPM[Ser728=]LGNVQLPQAP